The following is an entry in ClinVar:

ClinVar aggregate classification (germline): Uncertain significance (1 of 4 stars; one submission).

Conditions:
GNPTG-mucolipidosis. Also called: Mucolipidosis type III gamma; MUCOLIPIDOSIS III, COMPLEMENTATION GROUP C; MUCOLIPIDOSIS III, IRANIAN VARIANT FORM; MUCOLIPIDOSIS III, VARIANT FORM; ML III GAMMA; ML IIIC. Identifiers: Orphanet 423470, Orphanet 577, MedGen C1854896, MONDO:0009652, OMIM 252605.

Submission:

Myriad Genetics, Inc.
Classification: Uncertain significance for GNPTG-mucolipidosis. Last evaluated: 2026-06-09. Review status: criteria provided, single submitter. Criteria: Myriad Autosomal Dominant, Autosomal Recessive and X-Linked Classification Criteria (2023). Collection method: clinical testing. Allele origin: unknown.
Comment: NM_032520.4(GNPTG):c.1A>C(M1?) is an initiation codon variant classified as a variant of uncertain significance in the context of mucolipidosis III gamma. M1? has not been observed in cases with relevant disease. Relevant functional assessments of this variant are not available in the literature. M1? has not been observed in referenced population frequency databases. In summary, there is insufficient evidence to classify NM_032520.4(GNPTG):c.1A>C(M1?) as pathogenic or benign. Please note: this variant was assessed in the context of healthy population screening.

NM_032520.5(GNPTG):c.1A>C (p.Met1Leu)

Genes: GNPTG (N-acetylglucosamine-1-phosphate transferase subunit gamma; plus strand), LOC130058158 (ATAC-STARR-seq lymphoblastoid silent region 6972; plus strand). Cytogenetic location: 16p13.3.
Variant type: single nucleotide variant.
Coding change: c.1A>C on transcript NM_032520.5 (MANE Select); coding-DNA position 1, A replaced by C.
Protein change: p.Met1Leu; changes the start codon (methionine 1).
Molecular consequence: missense variant, initiator codon variant.
Genome position (GRCh38, 1-based): chr16:1,351,966, A>C. VCF-style: chr16-1351966-A-C. GRCh37 (hg19) VCF-style: chr16-1401967-A-C.
Other names: short protein forms M1L.
Identifiers: ClinVar variation 5003555 (VCV005003555.1).